The following is an entry in ClinVar:

ClinVar aggregate classification (germline): Benign. Review status: criteria provided, multiple submitters, no conflicts (2 of 4 stars). 2 submissions from 2 submitters: Benign (2). Last evaluated 2018-06-19.

Allele frequency attached by ClinVar (database versions not stated): gnomAD exomes 0.04171 and 0.04370; ExAC 0.04243; 1000 Genomes Project 30x 0.04888; 1000 Genomes Project 0.04912; gnomAD 0.04973 and 0.05028; TOPMed 0.05187; ESP Exome Variant Server 0.05521.
gnomAD v4.1: 63,039 of 1,413,642 alleles (4.5%); highest among the groups gnomAD compares: Middle Eastern, 9.2%; 1,617 homozygotes.

Submissions (2):

GeneDx
Classification: Benign. Last evaluated: 2018-06-19. Review status: criteria provided, single submitter. Criteria: GeneDx Variant Classification (06012015). Collection method: clinical testing. Allele origin: germline. Affected: yes.
Comment: This variant is considered likely benign or benign based on one or more of the following criteria: it is a conservative change, it occurs at a poorly conserved position in the protein, it is predicted to be benign by multiple in silico algorithms, and/or has population frequency not consistent with disease.

Breakthrough Genomics
Classification: Benign. Review status: criteria provided, single submitter. Criteria: ACMG Guidelines, 2015. Collection method: not provided. Allele origin: germline. Inheritance: Autosomal recessive inheritance. Affected: yes.

NM_152393.4(KLHL40):c.1755-33T>C

Gene: KLHL40 (kelch like family member 40; plus strand). Cytogenetic location: 3p22.1.
Variant type: single nucleotide variant.
Coding change: c.1755-33T>C on transcript NM_152393.4 (MANE Select); 33 bases into the intron before coding-DNA position 1755, T replaced by C.
Molecular consequence: intron variant.
Genome position (GRCh38, 1-based): chr3:42,691,849, T>C. VCF-style: chr3-42691849-T-C. GRCh37 (hg19) VCF-style: chr3-42733341-T-C.
Identifiers: ClinVar variation 682889 (VCV000682889.2), dbSNP rs4533620, ClinGen allele CA2337078.